The following is an entry in ClinVar:

ClinVar aggregate classification (germline): Uncertain significance. Review status: criteria provided, multiple submitters, no conflicts (2 of 4 stars). 2 submissions from 2 submitters: Uncertain significance (2). Last evaluated 2026-03-14.

Allele frequency attached by ClinVar (database versions not stated): gnomAD exomes below 0.00001; TOPMed 0.00001.

Submissions (2):

GeneDx
Classification: Uncertain significance. Last evaluated: 2026-03-14. Review status: criteria provided, single submitter. Criteria: GeneDx Variant Classification Process June 2021. Collection method: clinical testing. Allele origin: germline.
Comment: In silico analysis suggests that this missense variant does not alter protein structure/function; Has not been previously published as pathogenic or benign to our knowledge

Labcorp Genetics (formerly Invitae), Labcorp
Classification: Uncertain significance. Last evaluated: 2025-08-09. Review status: criteria provided, single submitter. Criteria: Invitae Variant Classification Sherloc (09022015). Collection method: clinical testing. Allele origin: germline.
Comment: This sequence change replaces serine, which is neutral and polar, with cysteine, which is neutral and slightly polar, at codon 2456 of the VCAN protein (p.Ser2456Cys). This variant is present in population databases (no rsID available, gnomAD 0.003%). This variant has not been reported in the literature in individuals affected with VCAN-related conditions. ClinVar contains an entry for this variant (Variation ID: 1945732). An algorithm developed to predict the effect of missense changes on protein structure and function (PolyPhen-2) suggests that this variant is likely to be disruptive. In summary, the available evidence is currently insufficient to determine the role of this variant in disease. Therefore, it has been classified as a Variant of Uncertain Significance.

NM_004385.5(VCAN):c.7366A>T (p.Ser2456Cys)

Genes: VCAN (versican; plus strand), VCAN-AS1 (VCAN antisense RNA 1; minus strand). Cytogenetic location: 5q14.3.
Variant type: single nucleotide variant.
Coding change: c.7366A>T on transcript NM_004385.5 (MANE Select); coding-DNA position 7366, A replaced by T.
Protein change: p.Ser2456Cys; replaces serine 2456 with cysteine.
Molecular consequence: missense variant. On other transcripts: intron variant (2).
Genome position (GRCh38, 1-based): chr5:83,540,369, A>T. VCF-style: chr5-83540369-A-T. GRCh37 (hg19) VCF-style: chr5-82836188-A-T.
Other names: c.4405A>T, p.Ser1469Cys (NM_001164097.2); c.4004-5168A>T (NM_001164098.2); c.1043-5168A>T (NM_001126336.3); c.7366A>T (NM_004385.4); short protein forms S1469C, S2456C.
Identifiers: ClinVar variation 1945732 (VCV001945732.6), dbSNP rs772295394, ClinGen allele CA360314590.